The following is an entry in ClinVar:

ClinVar aggregate classification (germline): Uncertain significance (1 of 4 stars; one submission).

Submission:

Labcorp Genetics (formerly Invitae), Labcorp
Classification: Uncertain significance. Last evaluated: 2026-01-08. Review status: criteria provided, single submitter. Criteria: Invitae Variant Classification Sherloc (09022015). Collection method: clinical testing. Allele origin: germline.
Comment: This sequence change replaces aspartic acid, which is acidic and polar, with asparagine, which is neutral and polar, at codon 461 of the SCNN1B protein (p.Asp461Asn). This variant is not present in population databases (gnomAD no frequency). This variant has not been reported in the literature in individuals affected with SCNN1B-related conditions. Invitae Evidence Modeling of protein sequence and biophysical properties (such as structural, functional, and spatial information, amino acid conservation, physicochemical variation, residue mobility, and thermodynamic stability) indicates that this missense variant is not expected to disrupt SCNN1B protein function with a negative predictive value of 80%. In summary, the available evidence is currently insufficient to determine the role of this variant in disease. Therefore, it has been classified as a Variant of Uncertain Significance.

NM_000336.3(SCNN1B):c.1381G>A (p.Asp461Asn)

Gene: SCNN1B (sodium channel epithelial 1 subunit beta; plus strand). Cytogenetic location: 16p12.2.
Variant type: single nucleotide variant.
Coding change: c.1381G>A on transcript NM_000336.3 (MANE Select); coding-DNA position 1381, G replaced by A.
Protein change: p.Asp461Asn; replaces aspartic acid 461 with asparagine.
Molecular consequence: missense variant.
Genome position (GRCh38, 1-based): chr16:23,377,363, G>A. VCF-style: chr16-23377363-G-A. GRCh37 (hg19) VCF-style: chr16-23388684-G-A.
Other names: c.1273G>A, p.Asp425Asn (NM_001410900.1); short protein forms D425N, D461N.
Identifiers: ClinVar variation 4734285 (VCV004734285.1).